The following is an entry in ClinVar:

ClinVar aggregate classification (germline): Uncertain significance (1 of 4 stars; one submission).

Conditions:
Mitochondrial DNA depletion syndrome 13. Also called: FBXL4-Related Encephalomyopathic Mitochondrial DNA Depletion Syndrome; Mitochondrial DNA depletion syndrome 13 (encephalomyopathic type). Identifiers: Orphanet 369897, MedGen C3809592, MONDO:0014198, OMIM 615471.

Allele frequency attached by ClinVar (database versions not stated): gnomAD exomes below 0.00001 and 0.00001; ExAC 0.00002.
gnomAD v4.1: 3 of 1,575,752 alleles (0.00019%); highest among the groups gnomAD compares: Non-Finnish European, 0.00026%; no homozygotes.

Submission:

Wong Mito Lab, Molecular and Human Genetics, Baylor College of Medicine
Classification: Uncertain significance for Mitochondrial DNA depletion syndrome 13. Last evaluated: 2017-08-10. Review status: criteria provided, single submitter. Criteria: ACMG Guidelines, 2015. Collection method: reference population. Allele origin: germline.
Comment: The NM_012160.4:c.*4A>G (NP_036292.2:p.=) [GRCH38: NC_000006.12:g.98874274T>C] variant in FBXL4 gene is interpretated to be a Uncertain Significance - Insufficient Evidence based on ACMG guidelines (PMID: 25741868). This variant meets one or more of the following evidence codes reported in the ACMG-guideline. PM2:This variant is absent in key population databases. Based on this evidence code ClinGen Pathogenicity Calculator (PMID:28081714) suggested that the variant is Uncertain Significance - Insufficient Evidence.

NM_001278716.2(FBXL4):c.*4A>G

Gene: FBXL4 (F-box and leucine rich repeat protein 4; minus strand). Cytogenetic location: 6q16.1.
Variant type: single nucleotide variant.
Coding change: c.*4A>G on transcript NM_001278716.2 (MANE Select); 4 bases downstream of the stop codon, A replaced by G.
Molecular consequence: 3 prime UTR variant. On other transcripts: non-coding transcript variant (1).
Genome position (GRCh38, 1-based): chr6:98,874,274, T>C on the plus strand (A>G on the coding strand, the complement: FBXL4 is on the minus strand). VCF-style: chr6-98874274-T-C. GRCh37 (hg19) VCF-style: chr6-99322150-T-C.
Other names: c.*4A>G (NM_012160.5).
Identifiers: ClinVar variation 437823 (VCV000437823.1), dbSNP rs751716397, ClinGen allele CA3933332.
Genomic context (GRCh38, chr6:98,874,274, plus strand): 5'-AAAACCAATCCCAAAATTAAACCCCAACAAAGCACATTAATTTTAATACAGAACATATAT[T>C]AAGTCACTGAGTAAAGCTCTTTTTTATGAACACTTTTGGAAAGCTTGCATTCAGTTCTAG-3'